The following is an entry in ClinVar:

NM_001035.3(RYR2):c.14314G>A (p.Gly4772Ser)

Gene: RYR2 (ryanodine receptor 2; plus strand). Cytogenetic location: 1q43.
Variant type: single nucleotide variant.
Coding change: c.14314G>A on transcript NM_001035.3 (MANE Select); coding-DNA position 14314, G replaced by A.
Protein change: p.Gly4772Ser; replaces glycine 4772 with serine.
Molecular consequence: missense variant.
Genome position (GRCh38, 1-based): chr1:237,808,916, G>A. VCF-style: chr1-237808916-G-A. GRCh37 (hg19) VCF-style: chr1-237972216-G-A.
Other names: c.14314G>A, p.Gly4772Ser (LRG_402t1); short protein forms G4772S.
Identifiers: ClinVar variation 36734 (VCV000036734.5), dbSNP rs193922622, ClinGen allele CA008227.

ClinVar aggregate classification (germline): Likely pathogenic (1 of 4 stars; one submission).

Conditions:
Cardiac arrhythmia. Also called: Arrhythmia; Cardiac rhythm disease. Identifiers: MedGen C0003811, MONDO:0007263, HP:0011675.

Submission:

Women's Health and Genetics/Laboratory Corporation of America, LabCorp
Classification: Likely pathogenic for Arrhythmia. Last evaluated: 2011-08-18. Review status: criteria provided, single submitter. Criteria: LabCorp Variant Classification Summary - May 2015. Collection method: curation. Allele origin: germline. Inheritance: autosomal unknown. Affected: yes.
ClinVar note: Converted during submission from likely pathogenic to Likely pathogenic.